The following is an entry in ClinVar:

NM_001942.4(DSG1):c.2814T>C (p.Ser938=)

Genes: DSG1 (desmoglein 1; plus strand), DSG1-AS1 (DSG1 antisense RNA 1; minus strand). Cytogenetic location: 18q12.1.
Variant type: single nucleotide variant.
Coding change: c.2814T>C on transcript NM_001942.4 (MANE Select); coding-DNA position 2814, T replaced by C.
Protein change: p.Ser938=; no amino-acid change (serine 938 retained).
Molecular consequence: synonymous variant.
Genome position (GRCh38, 1-based): chr18:31,355,010, T>C. VCF-style: chr18-31355010-T-C. GRCh37 (hg19) VCF-style: chr18-28934973-T-C.
Other names: c.2814T>C (NM_001942.3).
Identifiers: ClinVar variation 1169603 (VCV001169603.13), dbSNP rs1042754, ClinGen allele CA8926452.

ClinVar aggregate classification (germline): Benign. Review status: criteria provided, multiple submitters, no conflicts (2 of 4 stars). 4 submissions from 4 submitters: Benign (3). 1 of the submissions does not count toward it. Last evaluated 2026-02-02.

Conditions:
DSG1-related disorder. Also called: DSG1-related condition.

Allele frequency attached by ClinVar (database versions not stated): gnomAD 0.04303 and 0.04023; ESP Exome Variant Server 0.04367; 1000 Genomes Project 0.04473; gnomAD exomes 0.00380 and 0.01030; ExAC 0.01265; TOPMed 0.04555; 1000 Genomes Project 30x 0.04809.
gnomAD v4.1: 11,845 of 1,614,088 alleles (0.73%); highest among the groups gnomAD compares: African/African-American, 14%; 798 homozygotes.

Submissions (4):

Labcorp Genetics (formerly Invitae), Labcorp
Classification: Benign. Last evaluated: 2026-02-02. Review status: criteria provided, single submitter. Criteria: Invitae Variant Classification Sherloc (09022015). Collection method: clinical testing. Allele origin: germline.

GeneDx
Classification: Benign. Last evaluated: 2021-05-04. Review status: criteria provided, single submitter. Criteria: GeneDx Variant Classification Process June 2021. Collection method: clinical testing. Allele origin: germline. Affected: yes.

Breakthrough Genomics
Classification: Benign. Review status: criteria provided, single submitter. Criteria: ACMG Guidelines, 2015. Collection method: not provided. Allele origin: germline. Inheritance: Autosomal recessive inheritance. Affected: yes.

PreventionGenetics, part of Exact Sciences
Classification: Benign for DSG1-related condition. Last evaluated: 2020-01-02. Review status: no assertion criteria provided. Collection method: clinical testing. Allele origin: germline. Not counted in ClinVar's aggregate classification.
Comment: This variant is classified as benign based on ACMG/AMP sequence variant interpretation guidelines (Richards et al. 2015 PMID: 25741868, with internal and published modifications).